The following is an entry in ClinVar:

NM_002880.4(RAF1):c.1784A>C (p.Glu595Ala)

Gene: RAF1 (Raf-1 proto-oncogene, serine/threonine kinase; minus strand). Cytogenetic location: 3p25.2.
Variant type: single nucleotide variant.
Coding change: c.1784A>C on transcript NM_002880.4 (MANE Select); coding-DNA position 1784, A replaced by C.
Protein change: p.Glu595Ala; replaces glutamic acid 595 with alanine.
Molecular consequence: missense variant. On other transcripts: non-coding transcript variant (3).
Genome position (GRCh38, 1-based): chr3:12,584,866, T>G on the plus strand (A>C on the coding strand, the complement: RAF1 is on the minus strand). VCF-style: chr3-12584866-T-G. GRCh37 (hg19) VCF-style: chr3-12626365-T-G.
Other names: c.1844A>C, p.Glu615Ala (NM_001354689.3); c.1784A>C, p.Glu595Ala (NM_001354690.3); c.1541A>C, p.Glu514Ala (NM_001354691.3, NM_001354692.3); c.1685A>C, p.Glu562Ala (NM_001354693.3); c.1601A>C, p.Glu534Ala (NM_001354694.3); c.1442A>C, p.Glu481Ala (NM_001354695.3); short protein forms E481A, E514A, E595A, E562A, E615A, E534A.
Identifiers: ClinVar variation 1469736 (VCV001469736.6), dbSNP rs2125319319, ClinGen allele CA351496505.

ClinVar aggregate classification (germline): Uncertain significance (1 of 4 stars; one submission).

Conditions:
RASopathy. Also called: rasopathies; Noonan spectrum disorder. Identifiers: Orphanet 536391, MedGen C5555857, MONDO:0021060.

Submission:

Labcorp Genetics (formerly Invitae), Labcorp
Classification: Uncertain significance for RASopathy. Last evaluated: 2021-10-06. Review status: criteria provided, single submitter. Criteria: Invitae Variant Classification Sherloc (09022015). Collection method: clinical testing. Allele origin: germline.
Comment: This variant has not been reported in the literature in individuals affected with RAF1-related conditions. In summary, the available evidence is currently insufficient to determine the role of this variant in disease. Therefore, it has been classified as a Variant of Uncertain Significance. Advanced modeling of protein sequence and biophysical properties (such as structural, functional, and spatial information, amino acid conservation, physicochemical variation, residue mobility, and thermodynamic stability) performed at Invitae indicates that this missense variant is expected to disrupt RAF1 protein function. This variant is not present in population databases (ExAC no frequency). This sequence change replaces glutamic acid with alanine at codon 595 of the RAF1 protein (p.Glu595Ala). The glutamic acid residue is highly conserved and there is a moderate physicochemical difference between glutamic acid and alanine.